The following is an entry in ClinVar:

NM_001009944.3(PKD1):c.3332del (p.Phe1111fs)

Gene: PKD1 (polycystin 1, transient receptor potential channel interacting; minus strand). Cytogenetic location: 16p13.3.
Variant type: Deletion.
Coding change: c.3332del on transcript NM_001009944.3 (MANE Select); coding-DNA position 3332, one base deleted (T; older notation c.3332delT).
Protein change: p.Phe1111fs; shifts the reading frame from phenylalanine 1111.
Molecular consequence: frameshift variant.
Genome position (GRCh38, 1-based): chr16:2,111,835, A deleted on the plus strand (T on the coding strand, the reverse complement: PKD1 is on the minus strand); the first of 2 consecutive A bases (chr16:2,111,835-2,111,836); deleting either gives the same sequence. VCF-style (leftmost placement, unchanged base first): chr16-2111834-GA-G. GRCh37 (hg19) VCF-style: chr16-2161835-GA-G.
Other names: c.3332del, p.Phe1111fs (NM_000296.4); short protein forms F1111fs.
Identifiers: ClinVar variation 4531579 (VCV004531579.1).

ClinVar aggregate classification (germline): Pathogenic (1 of 4 stars; one submission).

Conditions:
Polycystic kidney disease, adult type (PKD1). Also called: Polycystic Kidney, Autosomal Dominant; POLYCYSTIC KIDNEY DISEASE, ADULT, TYPE I; Polycystic Kidney Disease 1, Autosomal Dominant; Polycystic kidney disease 1; Polycystic kidney disease 1, severe; POLYCYSTIC KIDNEY DISEASE 1 WITH OR WITHOUT POLYCYSTIC LIVER DISEASE. Identifiers: MedGen C3149841, MONDO:0008263, OMIM 173900.

Submission:

Victorian Clinical Genetics Services, Murdoch Childrens Research Institute
Classification: Pathogenic for Polycystic kidney disease, adult type. Last evaluated: 2025-08-18. Review status: criteria provided, single submitter. Criteria: ACMG Guidelines, 2015. Collection method: clinical testing. Allele origin: germline. Affected: yes.
Comment: This variant is classified as Pathogenic. Evidence in support of pathogenic classification: Variant is predicted to cause nonsense-mediated decay (NMD) and loss of protein (premature termination codon is located at least 54 nucleotides upstream of the final exon-exon junction); Variant is absent from gnomAD (v2, v3 and v4); Other NMD-predicted variant(s) comparable to the one identified in this case have very strong previous evidence for pathogenicity (DECIPHER). Additional information: This variant is suspected mosaic; This gene is associated with autosomal dominant disease. Polycystic kidney disease 1 (MIM#173900) is predominantly caused by monoallelic variants, with rare reports of biallelic variants causing disease (OMIM); Loss of function is a known mechanism of disease in this gene and is associated with polycystic kidney disease 1 (MIM#173900); Inheritance information for this variant is not currently available in this individual.